The following is an entry in ClinVar:

ClinVar aggregate classification (germline): Pathogenic (1 of 4 stars; one submission).

Conditions:
Ehlers-Danlos syndrome, dermatosparaxis type. Also called: EDS VIIC; Dermatosparaxis; Ehlers-Danlos syndrome, type VII, autosomal recessive. Identifiers: Orphanet 1901, MedGen C2700425, MONDO:0009161, OMIM 225410.

Submission:

Myriad Genetics, Inc.
Classification: Pathogenic for Ehlers-Danlos syndrome, dermatosparaxis type. Last evaluated: 2024-05-14. Review status: criteria provided, single submitter. Criteria: Myriad Autosomal Dominant, Autosomal Recessive and X-Linked Classification Criteria (2023). Collection method: clinical testing. Allele origin: unknown.
Comment: NM_014244.4(ADAMTS2):c.101_102insT(A35Rfs*31) is expected to be pathogenic in the context of Ehlers-Danlos syndrome, ADAMTS2-related. This variant is predicted to lead to an abnormal or absent protein product due to the creation of a premature termination codon in ADAMTS2, a gene where loss-of-function variants are known to be pathogenic. Please note: this variant was assessed in the context of healthy population screening.

NM_014244.5(ADAMTS2):c.101_102insT (p.Ala35fs)

Gene: ADAMTS2 (ADAM metallopeptidase with thrombospondin type 1 motif 2; minus strand). Cytogenetic location: 5q35.3.
Variant type: Insertion.
Coding change: c.101_102insT on transcript NM_014244.5 (MANE Select); coding-DNA positions 101 to 102, T inserted.
Protein change: p.Ala35fs; shifts the reading frame from alanine 35.
Molecular consequence: frameshift variant.
Genome position: GRCh38 VCF-style: chr5-179345227-G-GA. GRCh37 (hg19) VCF-style: chr5-178772228-G-GA.
Other names: c.101_102insT, p.Ala35fs (NM_021599.4); short protein forms A35fs.
Identifiers: ClinVar variation 5010590 (VCV005010590.1).
Genomic context (GRCh38, chr5:179,345,227, plus strand): 5'-AGTAGGGGCCGGGCCGCACCTACCTGGGGGGTCGGCGGCGGCGGCGAGCCTGGCGTTCGC[G>GA]GGCGGCGGCGGCGGCGGCAGGAGCGGCGGCGGCAGCAGCAGCAGCAGCAGCAGCAGCGCG-3'